The following is an entry in ClinVar:

NM_000498.3(CYP11B2):c.771dup (p.Glu258Ter)

Genes: CYP11B2 (cytochrome P450 family 11 subfamily B member 2; minus strand), LOC106799834 (CYP11B2 recombination region; plus strand). Cytogenetic location: 8q24.3.
Variant type: Duplication.
Coding change: c.771dup on transcript NM_000498.3 (MANE Select); coding-DNA position 771, one base duplicated (T; older notation c.771dupT).
Protein change: p.Glu258Ter; replaces glutamic acid 258 with a stop codon.
Molecular consequence: nonsense.
Genome position (GRCh38, 1-based): chr8:142,914,733, A duplicated on the plus strand (T on the coding strand, the reverse complement: CYP11B2 is on the minus strand); the first of 3 consecutive A bases (chr8:142,914,733-142,914,735); duplicating any one gives the same sequence. VCF-style (leftmost placement, unchanged base first): chr8-142914732-C-CA. GRCh37 (hg19) VCF-style: chr8-143996148-C-CA.
Other names: short protein forms E258*.
Identifiers: ClinVar variation 4818609 (VCV004818609.1).

ClinVar aggregate classification (germline): Likely pathogenic (1 of 4 stars; one submission).

Conditions:
Corticosterone methyl oxidase type II deficiency.

Submission:

Natera, Inc.
Classification: Likely pathogenic for Corticosterone methyl oxidase type II deficiency. Last evaluated: 2025-08-04. Review status: criteria provided, single submitter. Criteria: Natera Variant Classification Schema (03/2026). Collection method: clinical testing. Allele origin: germline.
Comment: The c.771dup variant in CYP11B2 is a frameshift variant predicted to shift the reading frame and introduce a stop codon. This variant is expected to result in nonsense mediated decay, truncation, or a dysfunctional protein product. This variant is rare in the general population with a frequency below the threshold expected for the associated phenotype(s). Given the available evidence, this variant is classified as Likely Pathogenic.